The following is an entry in ClinVar:

ClinVar aggregate classification (germline): Pathogenic (1 of 4 stars; one submission).

Conditions:
Hereditary cancer-predisposing syndrome. Also called: Hereditary Cancer Syndrome; Hereditary neoplastic syndrome; Neoplastic Syndromes, Hereditary; Tumor predisposition. Identifiers: Orphanet 140162, MedGen C0027672, MeSH D009386, MONDO:0015356.

Submission:

Ambry Genetics
Classification: Pathogenic for Hereditary cancer-predisposing syndrome. Last evaluated: 2022-05-04. Review status: criteria provided, single submitter. Criteria: Ambry Variant Classification Scheme 2023. Collection method: clinical testing. Allele origin: germline.
Comment: The c.1457_1461delTTGTT pathogenic mutation, located in coding exon 9 of the BRCA1 gene, results from a deletion of 5 nucleotides at nucleotide positions 1457 to 1461, causing a translational frameshift with a predicted alternate stop codon (p.F486Yfs*2). This variant is considered to be rare based on population cohorts in the Genome Aggregation Database (gnomAD). This alteration is expected to result in loss of function by premature protein truncation or nonsense-mediated mRNA decay. As such, this alteration is interpreted as a disease-causing mutation.

NM_007294.4(BRCA1):c.1457_1461del (p.Phe486fs)

Gene: BRCA1 (BRCA1 DNA repair associated; minus strand). Cytogenetic location: 17q21.31.
Variant type: Deletion.
Coding change: c.1457_1461del on transcript NM_007294.4 (MANE Select); coding-DNA positions 1457 to 1461, 5 bases deleted (TTGTT; older notation c.1457_1461delTTGTT).
Protein change: p.Phe486fs; shifts the reading frame from phenylalanine 486.
Molecular consequence: frameshift variant. On other transcripts: intron variant (137).
Genome position (GRCh38, 1-based): chr17:43,094,070-43,094,074, AACAA deleted on the plus strand (TTGTT on the coding strand, the reverse complement: BRCA1 is on the minus strand); deleting any 5 consecutive bases within chr17:43,094,070-43,094,075 gives the same sequence; the c. name uses the placement nearest the transcript's 3' end. VCF-style (leftmost placement, unchanged base first): chr17-43094069-TAACAA-T. GRCh37 (hg19) VCF-style: chr17-41246086-TAACAA-T.
Other names: c.1457_1461delTTGTT (NM_007294.3); c.1244_1248del, p.Phe415fs (NM_001407571.1, NM_001407853.1, NM_001407894.1 and 9 more transcripts); c.1457_1461del, p.Phe486fs (NM_001407581.1, NM_001407582.1, NM_001407583.1 and 30 more transcripts); c.1454_1458del, p.Phe485fs (NM_001407587.1, NM_001407590.1, NM_001407591.1 and 22 more transcripts); c.1448_1452del, p.Phe483fs (NM_001407646.1, NM_001407647.1); c.1334_1338del, p.Phe445fs (NM_001407648.1, NM_001407664.1, NM_001407665.1 and 19 more transcripts); c.1331_1335del, p.Phe444fs (NM_001407649.1, NM_001407670.1, NM_001407671.1 and 11 more transcripts); c.1379_1383del, p.Phe460fs (NM_001407653.1, NM_001407654.1, NM_001407655.1 and 4 more transcripts); and 41 more; short protein forms F439fs, F486fs, F358fs, F419fs, F190fs, F359fs, F375fs, F415fs.
Identifiers: ClinVar variation 1773067 (VCV001773067.2), dbSNP rs2552208265, ClinGen allele CA1139768281.